The following is an entry in ClinVar:

NM_001077350.3(NPRL3):c.747A>T (p.Glu249Asp)

Genes: HBA-LCR (alpha-globin locus control region; plus strand), NPRL3 (NPR3 like, GATOR1 complex subunit; minus strand). Cytogenetic location: 16p13.3.
Variant type: single nucleotide variant.
Coding change: c.747A>T on transcript NM_001077350.3 (MANE Select); coding-DNA position 747, A replaced by T.
Protein change: p.Glu249Asp; replaces glutamic acid 249 with aspartic acid.
Molecular consequence: missense variant.
Genome position (GRCh38, 1-based): chr16:100,392, T>A on the plus strand (A>T on the coding strand, the complement: NPRL3 is on the minus strand). VCF-style: chr16-100392-T-A. GRCh37 (hg19) VCF-style: chr16-150390-T-A.
Other names: c.210A>T, p.Glu70Asp (NM_001039476.3); c.513A>T, p.Glu171Asp (NM_001243247.2); c.672A>T, p.Glu224Asp (NM_001243248.2, NM_001243249.2); short protein forms E171D, E224D, E249D, E70D.
Identifiers: ClinVar variation 1381654 (VCV001381654.5), dbSNP rs2141925147, ClinGen allele CA393990692.

ClinVar aggregate classification (germline): Uncertain significance (1 of 4 stars; one submission).

Conditions:
Epilepsy, familial focal, with variable foci 3 (FFEVF3). Identifiers: MedGen C4310708, MONDO:0014925, OMIM 617118.

Allele frequency attached by ClinVar (database versions not stated): gnomAD exomes below 0.00001.
gnomAD v4.1: 1 of 1,560,986 alleles (0.000064%); highest among the groups gnomAD compares: South Asian, 0.0012%; no homozygotes.

Submission:

Labcorp Genetics (formerly Invitae), Labcorp
Classification: Uncertain significance for Epilepsy, familial focal, with variable foci 3. Last evaluated: 2024-05-15. Review status: criteria provided, single submitter. Criteria: Invitae Variant Classification Sherloc (09022015). Collection method: clinical testing. Allele origin: germline.
Comment: This sequence change replaces glutamic acid, which is acidic and polar, with aspartic acid, which is acidic and polar, at codon 249 of the NPRL3 protein (p.Glu249Asp). This variant is not present in population databases (gnomAD no frequency). This variant has not been reported in the literature in individuals affected with NPRL3-related conditions. ClinVar contains an entry for this variant (Variation ID: 1381654). Advanced modeling of protein sequence and biophysical properties (such as structural, functional, and spatial information, amino acid conservation, physicochemical variation, residue mobility, and thermodynamic stability) performed at Invitae indicates that this missense variant is not expected to disrupt NPRL3 protein function with a negative predictive value of 80%. In summary, the available evidence is currently insufficient to determine the role of this variant in disease. Therefore, it has been classified as a Variant of Uncertain Significance.